The following is an entry in ClinVar:

NM_144999.4(LRRC45):c.1038G>A (p.Leu346=)

Gene: LRRC45 (leucine rich repeat containing 45; plus strand). Cytogenetic location: 17q25.3.
Variant type: single nucleotide variant.
Coding change: c.1038G>A on transcript NM_144999.4 (MANE Select); coding-DNA position 1038, G replaced by A.
Protein change: p.Leu346=; no amino-acid change (leucine 346 retained).
Molecular consequence: synonymous variant.
Genome position (GRCh38, 1-based): chr17:82,028,137, G>A. VCF-style: chr17-82028137-G-A. GRCh37 (hg19) VCF-style: chr17-79986013-G-A.
Identifiers: ClinVar variation 4986363 (VCV004986363.1).

ClinVar aggregate classification (germline): Likely benign (1 of 4 stars; one submission).

Conditions:
LRRC45-related disorder. Also called: LRRC45-related condition.

gnomAD v4.1: 5 of 1,566,866 alleles (0.00032%); highest among the groups gnomAD compares: Admixed American, 0.0096%; no homozygotes.

Submission:

PreventionGenetics, part of Exact Sciences
Classification: Likely benign for LRRC45-related condition. Last evaluated: 2025-02-05. Review status: criteria provided, single submitter. Criteria: ACMG Guidelines, 2015. Collection method: clinical testing. Allele origin: germline.
Comment: This variant is classified as likely benign based on ACMG/AMP sequence variant interpretation guidelines (Richards et al. 2015 PMID: 25741868, with internal and published modifications).